The following is an entry in ClinVar:

ClinVar aggregate classification (germline): Uncertain significance (1 of 4 stars; one submission).

Conditions:
Gnathodiaphyseal dysplasia (GDD). Also called: GNATHODIAPHYSEAL SCLEROSIS; OSTEOGENESIS IMPERFECTA WITH UNUSUAL SKELETAL LESIONS. Identifiers: Orphanet 53697, MedGen C1833736, MONDO:0008151, OMIM 166260.
Autosomal recessive limb-girdle muscular dystrophy type 2L (LGMDR12). Also called: Limb-girdle muscular dystrophy, type 2L; MUSCULAR DYSTROPHY, LIMB-GIRDLE, AUTOSOMAL RECESSIVE 12; Limb-Girdle Muscular Dystrophy R12 Anoctamin-5-Related (LGMD-R12). Identifiers: Orphanet 206549, MedGen C1969785, MONDO:0012652, OMIM 611307.

Submission:

Labcorp Genetics (formerly Invitae), Labcorp
Classification: Uncertain significance for Autosomal recessive limb-girdle muscular dystrophy type 2L; Gnathodiaphyseal dysplasia. Last evaluated: 2025-01-06. Review status: criteria provided, single submitter. Criteria: Invitae Variant Classification Sherloc (09022015). Collection method: clinical testing. Allele origin: germline.
Comment: This sequence change replaces phenylalanine, which is neutral and non-polar, with valine, which is neutral and non-polar, at codon 494 of the ANO5 protein (p.Phe494Val). This variant is not present in population databases (gnomAD no frequency). This variant has not been reported in the literature in individuals affected with ANO5-related conditions. Invitae Evidence Modeling of protein sequence and biophysical properties (such as structural, functional, and spatial information, amino acid conservation, physicochemical variation, residue mobility, and thermodynamic stability) has been performed for this missense variant. However, the output from this modeling did not meet the statistical confidence thresholds required to predict the impact of this variant on ANO5 protein function. In summary, the available evidence is currently insufficient to determine the role of this variant in disease. Therefore, it has been classified as a Variant of Uncertain Significance.

NM_213599.3(ANO5):c.1480T>G (p.Phe494Val)

Gene: ANO5 (anoctamin 5; plus strand). Cytogenetic location: 11p14.3.
Variant type: single nucleotide variant.
Coding change: c.1480T>G on transcript NM_213599.3 (MANE Select); coding-DNA position 1480, T replaced by G.
Protein change: p.Phe494Val; replaces phenylalanine 494 with valine.
Molecular consequence: missense variant.
Genome position (GRCh38, 1-based): chr11:22,259,591, T>G. VCF-style: chr11-22259591-T-G. GRCh37 (hg19) VCF-style: chr11-22281137-T-G.
Other names: c.1477T>G, p.Phe493Val (NM_001142649.2); c.1438T>G, p.Phe480Val (NM_001410963.1); c.1435T>G, p.Phe479Val (NM_001410964.1); short protein forms F479V, F480V, F493V, F494V.
Identifiers: ClinVar variation 3753734 (VCV003753734.2).